The following is an entry in ClinVar:

ClinVar aggregate classification (germline): Uncertain significance. Review status: criteria provided, multiple submitters, no conflicts (2 of 4 stars). 3 submissions from 3 submitters: Uncertain significance (2). 1 of the submissions does not count toward it. Last evaluated 2025-02-05.

Conditions:
Deficiency of butyryl-CoA dehydrogenase (ACADSD). Also called: SCAD DEFICIENCY, MILD; ACYL-CoA DEHYDROGENASE, SHORT-CHAIN, DEFICIENCY OF; SCAD Deficiency; SCADH DEFICIENCY; ACADS DEFICIENCY; Short-Chain Acyl-CoA Dehydrogenase Deficiency. Identifiers: Orphanet 26792, MedGen C0342783, MONDO:0008722, OMIM 201470. Disease mechanism: May be benign.

Allele frequency attached by ClinVar (database versions not stated): gnomAD exomes 0.00002; TOPMed 0.00006; ESP Exome Variant Server 0.00008.
gnomAD v4.1: 16 of 1,609,356 alleles (0.00099%); highest among the groups gnomAD compares: East Asian, 0.0089%; no homozygotes.

Submissions (3):

GeneDx
Classification: Uncertain significance. Last evaluated: 2025-02-05. Review status: criteria provided, single submitter. Criteria: GeneDx Variant Classification Process June 2021. Collection method: clinical testing. Allele origin: germline. Affected: yes.
Comment: Identified in a patient with short-chain acyl-CoA dehydrogenase (SCAD) deficiency in the presence of a second ACADS variant (PMID: 18523805); Published functional studies demonstrate a damaging effect with significant decrease in tetramer formation and severe aggregation and moderate chaperone retention indicating a damaging effect on protein function (PMID: 18523805); In silico analysis indicates that this missense variant does not alter protein structure/function; This variant is associated with the following publications: (PMID: 18523805, 39050252)

Labcorp Genetics (formerly Invitae), Labcorp
Classification: Uncertain significance for Deficiency of butyryl-CoA dehydrogenase. Last evaluated: 2021-12-28. Review status: criteria provided, single submitter. Criteria: Invitae Variant Classification Sherloc (09022015). Collection method: clinical testing. Allele origin: germline.
Comment: In summary, the available evidence is currently insufficient to determine the role of this variant in disease. Therefore, it has been classified as a Variant of Uncertain Significance. Advanced modeling of protein sequence and biophysical properties (such as structural, functional, and spatial information, amino acid conservation, physicochemical variation, residue mobility, and thermodynamic stability) performed at Invitae indicates that this missense variant is expected to disrupt ACADS protein function. ClinVar contains an entry for this variant (Variation ID: 557652). This missense change has been observed in individual(s) with short chain acyl-CoA dehydrogenase deficiency (PMID: 18523805). This variant is present in population databases (rs369416846, gnomAD 0.02%). This sequence change replaces arginine, which is basic and polar, with tryptophan, which is neutral and slightly polar, at codon 411 of the ACADS protein (p.Arg411Trp).

Counsyl
Classification: Uncertain significance for Deficiency of butyryl-CoA dehydrogenase. Last evaluated: 2018-04-03. Review status: no assertion criteria provided. Collection method: clinical testing. Allele origin: unknown. Not counted in ClinVar's aggregate classification.

Literature cited by the submitters: PubMed 18523805 (cited by Labcorp Genetics (formerly Invitae), Labcorp and Counsyl).

NM_000017.4(ACADS):c.1231C>T (p.Arg411Trp)

Gene: ACADS (acyl-CoA dehydrogenase short chain; plus strand). Cytogenetic location: 12q24.31.
Variant type: single nucleotide variant.
Coding change: c.1231C>T on transcript NM_000017.4 (MANE Select); coding-DNA position 1231, C replaced by T.
Protein change: p.Arg411Trp; replaces arginine 411 with tryptophan.
Molecular consequence: missense variant.
Genome position (GRCh38, 1-based): chr12:120,739,440, C>T. VCF-style: chr12-120739440-C-T. GRCh37 (hg19) VCF-style: chr12-121177243-C-T.
Other names: c.1219C>T, p.Arg407Trp (NM_001302554.2); short protein forms R411W, R407W.
Identifiers: ClinVar variation 557652 (VCV000557652.6), dbSNP rs369416846, ClinGen allele CA244495699.